The following is an entry in ClinVar:

NM_004415.4(DSP):c.4384_4387del (p.Glu1461_Ser1462insTer)

Gene: DSP (desmoplakin; plus strand). Cytogenetic location: 6p24.3.
Variant type: Deletion.
Coding change: c.4384_4387del on transcript NM_004415.4 (MANE Select); coding-DNA positions 4384 to 4387, 4 bases deleted (AGCG; older notation c.4384_4387delAGCG).
Protein change: p.Glu1461_Ser1462insTer.
Molecular consequence: nonsense. On other transcripts: intron variant (2).
Genome position (GRCh38, 1-based): chr6:7,580,574-7,580,577, AGCG deleted; deleting any 4 consecutive bases within chr6:7,580,573-7,580,577 gives the same sequence; the c. name uses the placement nearest the transcript's 3' end. VCF-style (leftmost placement, unchanged base first): chr6-7580572-AGAGC-A. GRCh37 (hg19) VCF-style: chr6-7580805-AGAGC-A.
Other names: c.4050+334_4050+337del (NM_001319034.2); c.3582+802_3582+805del (NM_001008844.3); c.4384_4387delAGCG (NM_004415.2).
Identifiers: ClinVar variation 1069527 (VCV001069527.9), dbSNP rs1759396933, ClinGen allele CA1085706785.

ClinVar aggregate classification (germline): Pathogenic/Likely pathogenic. Review status: criteria provided, multiple submitters, no conflicts (2 of 4 stars). 3 submissions from 3 submitters: Pathogenic (2); Likely pathogenic (1). Last evaluated 2025-02-04.

Conditions:
Cardiovascular phenotype. Identifiers: MedGen CN230736.
Arrhythmogenic cardiomyopathy with wooly hair and keratoderma. Also called: PALMOPLANTAR KERATODERMA WITH LEFT VENTRICULAR CARDIOMYOPATHY AND WOOLLY HAIR; Arrhythmogenic cardiomyopathy with woolly hair and keratoderma; Carvajal syndrome; Dilated cardiomyopathy with woolly hair and keratoderma. Identifiers: Orphanet 65282, MedGen C1854063, MONDO:0011581, OMIM 605676.
Arrhythmogenic right ventricular dysplasia 8 (ARVD8). Also called: ARRHYTHMOGENIC RIGHT VENTRICULAR DYSPLASIA, FAMILIAL, 8; ARRHYTHMOGENIC RIGHT VENTRICULAR CARDIOMYOPATHY 8; Arrhythmogenic Right Ventricular Dysplasia/Cardiomyopathy 8. Identifiers: MedGen C1843896, MONDO:0011831, OMIM 607450.

Submissions (3):

Ambry Genetics
Classification: Pathogenic for Cardiovascular phenotype. Last evaluated: 2025-02-04. Review status: criteria provided, single submitter. Criteria: Ambry Variant Classification Scheme 2023. Collection method: clinical testing. Allele origin: germline.
Comment: The c.4384_4387delAGCG pathogenic mutation, located in coding exon 23 of the DSP gene, results from a deletion of 4 nucleotides at nucleotide positions 4384 to 4387, causing a translational frameshift with a predicted alternate stop codon (p.S1462*). This variant is considered to be rare based on population cohorts in the Genome Aggregation Database (gnomAD). Alterations in DSP that result in haploinsufficiency or protein truncation have been reported in patients with arrhythmogenic right ventricular cardiomyopathy (ARVC) and dilated cardiomyopathy (DCM) (Fressart V et al. Europace. 2010;12(6):861-8; Elliott P et al. Circ Cardiovasc Genet. 2010;3(4):314-22; Quarta G et al. Circulation. 2011;123(23):2701-9; Garcia-Pavia P et al. Heart. 2011;97(21):1744-52; Rasmussen TB et al. Clin Genet. 2013;84(1):20-30; Pugh TJ et al. Genet Med. 2014;16(8):601-8). This alteration is expected to result in loss of function by premature protein truncation or nonsense-mediated mRNA decay. Based on the supporting evidence, this variant is interpreted as a disease-causing mutation.

Labcorp Genetics (formerly Invitae), Labcorp
Classification: Pathogenic for Arrhythmogenic cardiomyopathy with wooly hair and keratoderma; Arrhythmogenic right ventricular dysplasia 8. Last evaluated: 2024-09-16. Review status: criteria provided, single submitter. Criteria: Invitae Variant Classification Sherloc (09022015). Collection method: clinical testing. Allele origin: germline.
Comment: This sequence change creates a premature translational stop signal (p.Ser1462*) in the DSP gene. It is expected to result in an absent or disrupted protein product. Loss-of-function variants in DSP are known to be pathogenic (PMID: 20716751, 24503780, 25227139). This variant is not present in population databases (gnomAD no frequency). This variant has not been reported in the literature in individuals affected with DSP-related conditions. ClinVar contains an entry for this variant (Variation ID: 1069527). For these reasons, this variant has been classified as Pathogenic.

All of Us Research Program, National Institutes of Health
Classification: Likely pathogenic for Arrhythmogenic cardiomyopathy with wooly hair and keratoderma. Last evaluated: 2023-11-15. Review status: criteria provided, single submitter. Criteria: ACMG Guidelines, 2015. Collection method: clinical testing. Allele origin: germline. Inheritance: Autosomal dominant inheritance. Observed: 1 variant allele, 1 heterozygote.
Comment: The c.4384_4387del (p.Ser1462*) variant in the DSP gene creates a premature translation stop signal. This change is predicted to result in an absent or disrupted protein product. Loss-of-function variants in DSP are known to be pathogenic (PMID: 20716751, 24503780, 25227139). This variant is not present in the general population according to gnomAD. Therefore, the c.4384_4387del (p.Ser1462*) variant in the DSP gene has been classified as likely pathogenic.

This study involves interpretation of variants in research participants for the purpose of population health screening. Participant phenotype was not available at the time of variant classification. Additional details can be found in publication PMID: 35346344, PMCID: PMC8962531

Literature cited by the submitters: PubMed 20716751 (cited by Labcorp Genetics (formerly Invitae), Labcorp and All of Us Research Program, National Institutes of Health); PubMed 24503780 (cited by Labcorp Genetics (formerly Invitae), Labcorp and All of Us Research Program, National Institutes of Health); PubMed 25227139 (cited by Labcorp Genetics (formerly Invitae), Labcorp and All of Us Research Program, National Institutes of Health).